The following is an entry in ClinVar:

NM_001830.4(CLCN4):c.718A>G (p.Ser240Gly)

Gene: CLCN4 (chloride voltage-gated channel 4; plus strand). Cytogenetic location: Xp22.2.
Variant type: single nucleotide variant.
Coding change: c.718A>G on transcript NM_001830.4 (MANE Select); coding-DNA position 718, A replaced by G.
Protein change: p.Ser240Gly; replaces serine 240 with glycine.
Molecular consequence: missense variant.
Genome position (GRCh38, 1-based): chrX:10,206,520, A>G. VCF-style: chrX-10206520-A-G. GRCh37 (hg19) VCF-style: chrX-10174560-A-G.
Other names: c.436A>G, p.Ser146Gly (NM_001256944.2); short protein forms S146G, S240G.
Identifiers: ClinVar variation 3391563 (VCV003391563.1).

ClinVar aggregate classification (germline): Uncertain significance (1 of 4 stars; one submission).

gnomAD v4.1: 1 of 1,210,847 alleles (0.000083%); highest among the groups gnomAD compares: Non-Finnish European, 0.00011%; no homozygotes.

Submission:

GeneDx
Classification: Uncertain significance. Last evaluated: 2024-06-12. Review status: criteria provided, single submitter. Criteria: GeneDx Variant Classification Process June 2021. Collection method: clinical testing. Allele origin: germline. Affected: yes.
Comment: Not observed at significant frequency in large population cohorts (gnomAD); In silico analysis indicates that this missense variant does not alter protein structure/function; Has not been previously published as pathogenic or benign to our knowledge